The following is an entry in ClinVar:

ClinVar aggregate classification (germline): Benign/Likely benign. Review status: criteria provided, multiple submitters, no conflicts (2 of 4 stars). 3 submissions from 3 submitters: Benign (1); Likely benign (2). Last evaluated 2026-01-27.

Conditions:
Hereditary cancer-predisposing syndrome. Also called: Neoplastic Syndromes, Hereditary; Tumor predisposition; Hereditary Cancer Syndrome; Hereditary neoplastic syndrome. Identifiers: Orphanet 140162, MedGen C0027672, MeSH D009386, MONDO:0015356.
Tuberous sclerosis 2 (TSC2). Identifiers: Orphanet 805, MedGen C1860707, MONDO:0013199, OMIM 613254.

Allele frequency attached by ClinVar (database versions not stated): gnomAD exomes below 0.00001.
gnomAD v4.1: 1 of 1,611,070 alleles (0.000062%); highest among the groups gnomAD compares: African/African-American, 0.0013%; no homozygotes.

Submissions (3):

Labcorp Genetics (formerly Invitae), Labcorp
Classification: Likely benign for Tuberous sclerosis 2. Last evaluated: 2026-01-27. Review status: criteria provided, single submitter. Criteria: Invitae Variant Classification Sherloc (09022015). Collection method: clinical testing. Allele origin: germline.

Myriad Genetics, Inc.
Classification: Benign for Tuberous sclerosis 2. Last evaluated: 2025-06-03. Review status: criteria provided, single submitter. Criteria: Myriad Autosomal Dominant, Autosomal Recessive and X-Linked Classification Criteria (2023). Collection method: clinical testing. Allele origin: unknown.
Comment: This variant is considered benign. This variant is a silent/synonymous amino acid change and it is not expected to impact splicing.

Ambry Genetics
Classification: Likely benign for Hereditary cancer-predisposing syndrome. Last evaluated: 2023-09-25. Review status: criteria provided, single submitter. Criteria: Ambry Variant Classification Scheme 2023. Collection method: clinical testing. Allele origin: germline.

NM_000548.5(TSC2):c.4203T>C (p.Pro1401=)

Gene: TSC2 (TSC complex subunit 2; plus strand). Cytogenetic location: 16p13.3.
Variant type: single nucleotide variant.
Coding change: c.4203T>C on transcript NM_000548.5 (MANE Select); coding-DNA position 4203, T replaced by C.
Protein change: p.Pro1401=; no amino-acid change (proline 1401 retained).
Molecular consequence: synonymous variant.
Genome position (GRCh38, 1-based): chr16:2,084,425, T>C. VCF-style: chr16-2084425-T-C. GRCh37 (hg19) VCF-style: chr16-2134426-T-C.
Other names: c.4002T>C, p.Pro1334= (NM_001077183.3); c.4134T>C, p.Pro1378= (NM_001114382.3); c.3894T>C, p.Pro1298= (NM_001318827.2); c.3858T>C, p.Pro1286= (NM_001318829.2); c.3471T>C, p.Pro1157= (NM_001318831.2); c.4035T>C, p.Pro1345= (NM_001318832.2); c.4203T>C (NM_000548.3); c.4005T>C, p.Pro1335= (NM_001363528.2); and 2 more.
Identifiers: ClinVar variation 1127724 (VCV001127724.12), dbSNP rs893072428, ClinGen allele CA276753355.